The following is an entry in ClinVar:

ClinVar aggregate classification (germline): Uncertain significance (1 of 4 stars; one submission).

Submission:

GeneDx
Classification: Uncertain significance. Last evaluated: 2024-07-08. Review status: criteria provided, single submitter. Criteria: GeneDx Variant Classification Process June 2021. Collection method: clinical testing. Allele origin: germline. Affected: yes.
Comment: Not observed at significant frequency in large population cohorts (gnomAD); In silico analysis supports that this missense variant has a deleterious effect on protein structure/function; Has not been previously published as pathogenic or benign to our knowledge

NM_006186.4(NR4A2):c.158C>T (p.Ala53Val)

Gene: NR4A2 (nuclear receptor subfamily 4 group A member 2; minus strand). Cytogenetic location: 2q24.1.
Variant type: single nucleotide variant.
Coding change: c.158C>T on transcript NM_006186.4 (MANE Select); coding-DNA position 158, C replaced by T.
Protein change: p.Ala53Val; replaces alanine 53 with valine.
Molecular consequence: missense variant. On other transcripts: intron variant (1).
Genome position (GRCh38, 1-based): chr2:156,330,029, G>A on the plus strand (C>T on the coding strand, the complement: NR4A2 is on the minus strand). VCF-style: chr2-156330029-G-A. GRCh37 (hg19) VCF-style: chr2-157186541-G-A.
Other names: c.-13-19C>T (NM_173173.3); short protein forms A53V.
Identifiers: ClinVar variation 1683962 (VCV001683962.3), dbSNP rs2105614636, ClinGen allele CA348683058.
Genomic context (GRCh38, chr2:156,330,029, plus strand): 5'-ACGTCGTAGCCTGTGCTGTAGTTGTCCATAAAGGTACTGAAGCTGGGGAGAGAAGTGGTG[G>A]CAGTGATTTCAGTGTTGGTGAGGTCCATGCTAAACTTGACAAACTCTGGAGTTAAGAAAT-3'
Protein context (NP_006177.1, residues 43-63): SMDLTNTEIT[Ala53Val]TTSLPSFSTF